The following is an entry in ClinVar:

ClinVar aggregate classification (germline): Uncertain significance. Review status: criteria provided, multiple submitters, no conflicts (2 of 4 stars). 2 submissions from 2 submitters: Uncertain significance (2). Last evaluated 2025-02-27.

Conditions:
Inborn genetic diseases. Identifiers: MedGen C0950123, MeSH D030342.

Allele frequency attached by ClinVar (database versions not stated): gnomAD exomes below 0.00001; TOPMed 0.00001.
gnomAD v4.1: 2 of 1,551,686 alleles (0.00013%); highest among the groups gnomAD compares: Non-Finnish European, 0.00017%; no homozygotes.

Submissions (2):

Ambry Genetics
Classification: Uncertain significance for Inborn genetic diseases. Last evaluated: 2025-02-27. Review status: criteria provided, single submitter. Criteria: Ambry Variant Classification Scheme 2023. Collection method: clinical testing. Allele origin: germline.

Labcorp Genetics (formerly Invitae), Labcorp
Classification: Uncertain significance. Last evaluated: 2021-12-06. Review status: criteria provided, single submitter. Criteria: Invitae Variant Classification Sherloc (09022015). Collection method: clinical testing. Allele origin: germline.
Comment: This sequence change replaces lysine, which is basic and polar, with glutamic acid, which is acidic and polar, at codon 1241 of the LOXHD1 protein (p.Lys1241Glu). This variant is not present in population databases (gnomAD no frequency). This variant has not been reported in the literature in individuals affected with LOXHD1-related conditions. Algorithms developed to predict the effect of missense changes on protein structure and function (SIFT, PolyPhen-2, Align-GVGD) all suggest that this variant is likely to be disruptive. In summary, the available evidence is currently insufficient to determine the role of this variant in disease. Therefore, it has been classified as a Variant of Uncertain Significance.

NM_001384474.1(LOXHD1):c.3721A>G (p.Lys1241Glu)

Gene: LOXHD1 (lipoxygenase homology PLAT domains 1; minus strand). Cytogenetic location: 18q21.1.
Variant type: single nucleotide variant.
Coding change: c.3721A>G on transcript NM_001384474.1 (MANE Select); coding-DNA position 3721, A replaced by G.
Protein change: p.Lys1241Glu; replaces lysine 1241 with glutamic acid.
Molecular consequence: missense variant.
Genome position (GRCh38, 1-based): chr18:46,542,754, T>C on the plus strand (A>G on the coding strand, the complement: LOXHD1 is on the minus strand). VCF-style: chr18-46542754-T-C. GRCh37 (hg19) VCF-style: chr18-44122717-T-C.
Other names: c.388A>G, p.Lys130Glu (NM_001145472.3); c.100A>G, p.Lys34Glu (NM_001308013.2); c.3721A>G, p.Lys1241Glu (NM_144612.7); c.3721A>G (NM_144612.6); short protein forms K130E, K34E, K1241E.
Identifiers: ClinVar variation 1404873 (VCV001404873.4), dbSNP rs1184887396, ClinGen allele CA402377894.